The following is an entry in ClinVar:

NM_001349338.3(FOXP1):c.14C>A (p.Ser5Tyr)

Gene: FOXP1 (forkhead box P1; minus strand). Cytogenetic location: 3p13.
Variant type: single nucleotide variant.
Coding change: c.14C>A on transcript NM_001349338.3 (MANE Select); coding-DNA position 14, C replaced by A.
Protein change: p.Ser5Tyr; replaces serine 5 with tyrosine.
Molecular consequence: missense variant. On other transcripts: non-coding transcript variant (2).
Genome position (GRCh38, 1-based): chr3:71,198,368, G>T on the plus strand (C>A on the coding strand, the complement: FOXP1 is on the minus strand). VCF-style: chr3-71198368-G-T. GRCh37 (hg19) VCF-style: chr3-71247519-G-T.
Other names: c.14C>A, p.Ser5Tyr (NM_001012505.2, NM_001244808.3, NM_001244810.2 and 6 more transcripts); short protein forms S5Y.
Identifiers: ClinVar variation 3901086 (VCV003901086.1).

ClinVar aggregate classification (germline): Uncertain significance (1 of 4 stars; one submission).

Conditions:
Intellectual disability-severe speech delay-mild dysmorphism syndrome (IDDLA). Also called: FOXP1 Syndrome; Mental retardation with language impairment and autistic features; Intellectual developmental disorder with language impairment AND with or without autistic features. Identifiers: Orphanet 391372, MedGen C4013764, MONDO:0013352, OMIM 613670.

Submission:

Institute of Human Genetics, University of Goettingen
Classification: Uncertain significance for Intellectual disability-severe speech delay-mild dysmorphism syndrome. Last evaluated: 2024-12-03. Review status: criteria provided, single submitter. Criteria: ACMG Guidelines, 2015. Collection method: clinical testing. Allele origin: unknown. Inheritance: Autosomal dominant inheritance. Affected: yes. Observed: 1 heterozygote.
Comment: The variant c.14C>A (p.(Ser5Tyr)) in exon 6 of the FOXP1-gene is not found in the gnomAD database, it affects a highly conserved nucleotide, and a highly conserved amino acid and there is a large physicochemical difference between Ser and Tyr. This variant has a pathogenic computational verdict based on in silico prediction algorithms. ACMG criteria used for classification: PM2_sup, PP3